The following is an entry in ClinVar:

NM_000286.3(PEX12):c.62_63del (p.Ile20_Phe21insTer)

Gene: PEX12 (peroxisomal biogenesis factor 12; minus strand). Cytogenetic location: 17q12.
Variant type: Deletion.
Coding change: c.62_63del on transcript NM_000286.3 (MANE Select); coding-DNA positions 62 to 63, 2 bases deleted (TT; older notation c.62_63delTT).
Protein change: p.Ile20_Phe21insTer.
Molecular consequence: nonsense.
Genome position (GRCh38, 1-based): chr17:35,577,959-35,577,960, AA deleted on the plus strand (TT on the coding strand, the reverse complement: PEX12 is on the minus strand); deleting any 2 consecutive bases within chr17:35,577,959-35,577,961 gives the same sequence; the c. name uses the placement nearest the transcript's 3' end. VCF-style (leftmost placement, unchanged base first): chr17-35577958-CAA-C. GRCh37 (hg19) VCF-style: chr17-33904977-CAA-C.
Identifiers: ClinVar variation 937792 (VCV000937792.7), dbSNP rs2072797369, ClinGen allele CA1139665499.

ClinVar aggregate classification (germline): Pathogenic (1 of 4 stars; one submission).

Conditions:
Peroxisome biogenesis disorder 3A (Zellweger). Also called: PEROXISOMAL BIOGENESIS DISORDER 3A (ZELLWEGER); Peroxisome biogenesis disorder 3A. Identifiers: Orphanet 912, MedGen C3553929, MONDO:0013927, OMIM 614859.

Submission:

Labcorp Genetics (formerly Invitae), Labcorp
Classification: Pathogenic for Peroxisome biogenesis disorder 3A (Zellweger). Last evaluated: 2019-09-28. Review status: criteria provided, single submitter. Criteria: Invitae Variant Classification Sherloc (09022015). Collection method: clinical testing. Allele origin: germline.
Comment: For these reasons, this variant has been classified as Pathogenic. Loss-of-function variants in PEX12 are known to be pathogenic (PMID: 9090384, 9632816, 21031596). This variant has not been reported in the literature in individuals with PEX12-related conditions. This variant is not present in population databases (ExAC no frequency). This sequence change creates a premature translational stop signal (p.Phe21*) in the PEX12 gene. It is expected to result in an absent or disrupted protein product.

Literature cited by the submitters: PubMed 9090384; PubMed 9632816; PubMed 21031596.